The following is an entry in ClinVar:

ClinVar aggregate classification (germline): Conflicting classifications of pathogenicity. Review status: criteria provided, conflicting classifications (1 of 4 stars). 5 submissions from 5 submitters: Likely pathogenic (1); Uncertain significance (3). 1 of the submissions does not count toward it. Last evaluated 2026-06-01.

Conditions:
Leukoencephalopathy with calcifications and cysts. Also called: LABRUNE SYNDROME; Leukoencephalopathy, brain calcifications, and cysts. Identifiers: Orphanet 542310, MedGen C3281200, MONDO:0013803, OMIM 614561.

Allele frequency attached by ClinVar (database versions not stated): 1000 Genomes Project 30x 0.00031; TOPMed 0.00035; 1000 Genomes Project 0.00040.
gnomAD v4.1: 341 of 764,944 alleles (0.045%); highest among the groups gnomAD compares: Non-Finnish European, 0.063%; no homozygotes.

Submissions (5):

CeGaT Center for Human Genetics Tuebingen
Classification: Likely pathogenic. Last evaluated: 2026-06-01. Review status: criteria provided, single submitter. Criteria: CeGaT Center For Human Genetics Tuebingen Variant Classification Criteria Version 2. Collection method: clinical testing. Allele origin: germline. Affected: yes. Observed: 7 variant alleles.
Comment: SNORD118: PM3:Strong, PM2

Labcorp Genetics (formerly Invitae), Labcorp
Classification: Uncertain significance. Last evaluated: 2025-11-03. Review status: criteria provided, single submitter. Criteria: Invitae Variant Classification Sherloc (09022015). Collection method: clinical testing. Allele origin: germline.
Comment: This variant occurs in the SNORD118 gene, which encodes an RNA molecule that does not result in a protein product. This variant is present in population databases (rs201686383, gnomAD 0.08%). This variant has been observed in individual(s) with cerebral microangiopathy leukoencephalopathy with calcifications and cysts (PMID: 27571260). It has also been observed to segregate with disease in related individuals. ClinVar contains an entry for this variant (Variation ID: 929270). In summary, the available evidence is currently insufficient to determine the role of this variant in disease. Therefore, it has been classified as a Variant of Uncertain Significance.

Blueprint Genetics
Classification: Uncertain significance. Last evaluated: 2024-11-23. Review status: criteria provided, single submitter. Criteria: ACMG Guidelines, 2015. Collection method: clinical testing. Allele origin: germline.

Illumina Laboratory Services, Illumina
Classification: Uncertain significance for Leukoencephalopathy with calcifications and cysts. Last evaluated: 2023-07-26. Review status: criteria provided, single submitter. Criteria: ICSLVariantClassificationCriteria RUGD 01 April 2020. Collection method: clinical testing. Allele origin: unknown.
Comment: The SNORD118 g.8076803C>T variant, also referred to as n.104G>A, is a non-protein coding variant. The variant has been reported in the literature in a family with two siblings with leukoencephalopathy with calcifications and cysts, where it was identified in trans with a variant of uncertain significance (PMID: 27571260; 33029936). This variant is reported in the Genome Aggregation Database at a frequency of 0.000686 in the European (non-Finnish) population (version 2.1.1). Based on the available evidence, the n.104G>A variant is classified as a variant of uncertain significance for leukoencephalopathy with calcifications and cysts.

Laboratory of Neurogenetics and Neuroinflammation, Institut Imagine
Classification: Pathogenic for Leukoencephalopathy, brain calcifications, and cysts. Last evaluated: 2020-04-06. Review status: no assertion criteria provided. Collection method: clinical testing. Allele origin: germline. Affected: yes. Observed: 2 variant alleles. Not counted in ClinVar's aggregate classification.

Literature cited by the submitters: PubMed 27571260 (cited by Labcorp Genetics (formerly Invitae), Labcorp).

NR_033294.2(SNORD118):n.104G>A

Genes: SNORD118 (small nucleolar RNA, C/D box 118; minus strand), TMEM107 (transmembrane protein 107; minus strand). Cytogenetic location: 17p13.1.
Variant type: single nucleotide variant.
Molecular consequence: non-coding transcript variant (on NR_033294.2). On other transcripts: 3 prime UTR variant (5).
Genome position: GRCh38 VCF-style: chr17-8173485-C-T. GRCh37 (hg19) VCF-style: chr17-8076803-C-T.
Other names: c.*718G>A (NM_001351278.2, NM_001351279.2, NM_001351280.2 and 2 more transcripts).
Identifiers: ClinVar variation 929270 (VCV000929270.36), dbSNP rs201686383, ClinGen allele CA8370625.